The following is an entry in ClinVar:

ClinVar aggregate classification (germline): Uncertain significance. Review status: criteria provided, multiple submitters, no conflicts (2 of 4 stars). 2 submissions from 2 submitters: Uncertain significance (2). Last evaluated 2025-03-27.

Conditions:
Catecholaminergic polymorphic ventricular tachycardia 1. Also called: VENTRICULAR TACHYCARDIA, STRESS-INDUCED POLYMORPHIC 1; VENTRICULAR TACHYCARDIA, CATECHOLAMINERGIC POLYMORPHIC, 1, WITH OR WITHOUT ATRIAL DYSFUNCTION AND/OR DILATED CARDIOMYOPATHY; RYR2-Related Catecholaminergic Polymorphic Ventricular Tachycardia. Identifiers: Orphanet 3286, MedGen C1631597, MONDO:0011484, OMIM 604772.

gnomAD v4.1: 5 of 1,613,682 alleles (0.00031%); highest among the groups gnomAD compares: Middle Eastern, 0.016%; no homozygotes.

Submissions (2):

GeneDx
Classification: Uncertain significance. Last evaluated: 2025-03-27. Review status: criteria provided, single submitter. Criteria: GeneDx Variant Classification Process June 2021. Collection method: clinical testing. Allele origin: germline.
Comment: Identified in a study of families with sudden arrhythmic death syndrome but suggested as a rare polymorphism (PMID: 18508782); Not observed at significant frequency in large population cohorts (gnomAD); In silico analysis indicates that this missense variant does not alter protein structure/function; This variant is associated with the following publications: (PMID: 19926015, 18508782)

Labcorp Genetics (formerly Invitae), Labcorp
Classification: Uncertain significance for Catecholaminergic polymorphic ventricular tachycardia 1. Last evaluated: 2025-01-06. Review status: criteria provided, single submitter. Criteria: Invitae Variant Classification Sherloc (09022015). Collection method: clinical testing. Allele origin: germline.
Comment: This sequence change replaces valine, which is neutral and non-polar, with isoleucine, which is neutral and non-polar, at codon 2435 of the RYR2 protein (p.Val2435Ile). This variant is present in population databases (no rsID available, gnomAD 0.007%). This variant has not been reported in the literature in individuals affected with RYR2-related conditions. ClinVar contains an entry for this variant (Variation ID: 1706195). Invitae Evidence Modeling of protein sequence and biophysical properties (such as structural, functional, and spatial information, amino acid conservation, physicochemical variation, residue mobility, and thermodynamic stability) has been performed for this missense variant. However, the output from this modeling did not meet the statistical confidence thresholds required to predict the impact of this variant on RYR2 protein function. In summary, the available evidence is currently insufficient to determine the role of this variant in disease. Therefore, it has been classified as a Variant of Uncertain Significance.

NM_001035.3(RYR2):c.7303G>A (p.Val2435Ile)

Gene: RYR2 (ryanodine receptor 2; plus strand). Cytogenetic location: 1q43.
Variant type: single nucleotide variant.
Coding change: c.7303G>A on transcript NM_001035.3 (MANE Select); coding-DNA position 7303, G replaced by A.
Protein change: p.Val2435Ile; replaces valine 2435 with isoleucine.
Molecular consequence: missense variant.
Genome position (GRCh38, 1-based): chr1:237,643,408, G>A. VCF-style: chr1-237643408-G-A. GRCh37 (hg19) VCF-style: chr1-237806708-G-A.
Other names: short protein forms V2435I.
Identifiers: ClinVar variation 1706195 (VCV001706195.8), dbSNP rs188835713, ClinGen allele CA345397019.